The following is an entry in ClinVar:

ClinVar aggregate classification (germline): Pathogenic. Review status: criteria provided, single submitter (1 of 4 stars). 3 submissions from 3 submitters: Pathogenic (1). 2 of the submissions do not count toward it. Last evaluated 2025-04-28.

Conditions:
Retinal macular dystrophy type 2 (MCDR2). Also called: Bull's eye macular dystrophy. Identifiers: Orphanet 319640, MedGen C4749334, MONDO:0011957, OMIM 608051.
Retinal dystrophy. Also called: Inherited retinal dystrophy. Identifiers: Orphanet 71862, MedGen C0854723, MeSH D058499, MONDO:0019118, HP:0000556.

Submissions (3):

Labcorp Genetics (formerly Invitae), Labcorp
Classification: Pathogenic. Last evaluated: 2025-04-28. Review status: criteria provided, single submitter. Criteria: Invitae Variant Classification Sherloc (09022015). Collection method: clinical testing. Allele origin: germline.
Comment: This sequence change creates a premature translational stop signal (p.Tyr570*) in the PROM1 gene. It is expected to result in an absent or disrupted protein product. Loss-of-function variants in PROM1 are known to be pathogenic (PMID: 17605048, 19718270, 24154662, 25474345). This variant is not present in population databases (gnomAD no frequency). This premature translational stop signal has been observed in individual(s) with autosomal recessive retinitis pigmentosa and/or clinical features of autosomal recessive Leber congenital amaurosis (PMID: 28041643, 31630094). ClinVar contains an entry for this variant (Variation ID: 2920638). For these reasons, this variant has been classified as Pathogenic.

Department of Medical Genetics, Erciyes University Faculty of Medicine
Classification: Likely pathogenic for Retinal macular dystrophy type 2. Last evaluated: 2024-02-01. Review status: no assertion criteria provided. Collection method: clinical testing. Allele origin: germline. Affected: yes. Not counted in ClinVar's aggregate classification.

Institute of Human Genetics, Univ. Regensburg, Univ. Regensburg
Classification: Pathogenic for Retinal dystrophy. Last evaluated: 2017-01-01. Review status: no assertion criteria provided. Criteria: ACMG Guidelines, 2015. Collection method: clinical testing. Allele origin: germline. Affected: yes. Not counted in ClinVar's aggregate classification.

Literature cited by the submitters: PubMed 17605048 (cited by Labcorp Genetics (formerly Invitae), Labcorp); PubMed 19718270 (cited by Labcorp Genetics (formerly Invitae), Labcorp); PubMed 24154662 (cited by Labcorp Genetics (formerly Invitae), Labcorp); PubMed 25474345 (cited by Labcorp Genetics (formerly Invitae), Labcorp); PubMed 28041643 (cited by Labcorp Genetics (formerly Invitae), Labcorp); PubMed 31630094 (cited by Labcorp Genetics (formerly Invitae), Labcorp).

NM_006017.3(PROM1):c.1709dup (p.Tyr570Ter)

Gene: PROM1 (prominin 1; minus strand). Cytogenetic location: 4p15.32.
Variant type: Duplication.
Coding change: c.1709dup on transcript NM_006017.3 (MANE Select); coding-DNA position 1709, one base duplicated (A; older notation c.1709dupA).
Protein change: p.Tyr570Ter; replaces tyrosine 570 with a stop codon.
Molecular consequence: nonsense.
Genome position (GRCh38, 1-based): chr4:15,994,045, T duplicated on the plus strand (A on the coding strand, the reverse complement: PROM1 is on the minus strand). VCF-style (leftmost placement, unchanged base first): chr4-15994044-G-GT. GRCh37 (hg19) VCF-style: chr4-15995667-G-GT.
Other names: c.1682dup, p.Tyr561Ter (NM_001145847.2, NM_001145848.2, NM_001145851.2 and 4 more transcripts); c.1709dup, p.Tyr570Ter (NM_001145849.2, NM_001145850.2); c.1682dupA (NM_001145847.2); short protein forms Y570*, Y561*.
Identifiers: ClinVar variation 2920638 (VCV002920638.5), dbSNP rs1721714409, ClinGen allele CA2586973727.
Genomic context (GRCh38, chr4:15,994,044, plus strand): 5'-TACCTCATTAATGTTGAGATGTTCACTGATATTGAAGCTGTTCTGCAGGTGAAGAGTGCC[G>GT]TAAGTGCCTCTATTTTTTTTGCAGTCACTGTGGGAATGAACAGAGAAATTAGGACCTAGA-3'